The following is an entry in ClinVar:

NM_000465.4(BARD1):c.1904-3C>G

Gene: BARD1 (BRCA1 associated RING domain 1; minus strand). Cytogenetic location: 2q35.
Variant type: single nucleotide variant.
Coding change: c.1904-3C>G on transcript NM_000465.4 (MANE Select); 3 bases into the intron before coding-DNA position 1904, C replaced by G.
Molecular consequence: intron variant.
Genome position (GRCh38, 1-based): chr2:214,730,511, G>C on the plus strand (C>G on the coding strand, the complement: BARD1 is on the minus strand). VCF-style: chr2-214730511-G-C. GRCh37 (hg19) VCF-style: chr2-215595235-G-C.
Other names: c.494-3C>G (NM_001282548.2); c.1847-3C>G (NM_001282543.2); c.551-3C>G (NM_001282545.2); c.365-3C>G (NM_001282549.2); c.1904-3C>G (LRG_297t1).
Identifiers: ClinVar variation 460731 (VCV000460731.27), dbSNP rs876660360, ClinGen allele CA539535344.
Genomic context (GRCh38, chr2:214,730,511, plus strand): 5'-GGAATTTCATACTTTTCTTCCTGTTCACATACTTTTCTTCGTAGACATGCTTTTACCCCT[G>C]ACAAAAACACAAGAATTAAAGCAAACTAAGTATCAAGTGAGCACTATATCTCTCTCATTA-3'

ClinVar aggregate classification (germline): Conflicting classifications of pathogenicity. Review status: criteria provided, conflicting classifications (1 of 4 stars). 6 submissions from 6 submitters: Uncertain significance (5); Likely benign (1). Last evaluated 2025-12-09.

Conditions:
Hereditary cancer-predisposing syndrome. Also called: Hereditary Cancer Syndrome; Tumor predisposition; Hereditary neoplastic syndrome; Neoplastic Syndromes, Hereditary. Identifiers: Orphanet 140162, MedGen C0027672, MeSH D009386, MONDO:0015356.
BARD1-related cancer predisposition. Identifiers: MedGen CN377756, MONDO:0700267.
Familial cancer of breast. Also called: hereditary breast carcinoma; BREAST CANCER, FAMILIAL; Hereditary breast cancer. Identifiers: Orphanet 227535, MedGen C0346153, MONDO:0016419, OMIM 114480. Disease mechanism: loss of function.

Allele frequency attached by ClinVar (database versions not stated): gnomAD 0.00003 and 0.00004; TOPMed 0.00005.
gnomAD v4.1: 9 of 1,611,538 alleles (0.00056%); highest among the groups gnomAD compares: African/African-American, 0.0053%; no homozygotes.

Submissions (6):

Labcorp Genetics (formerly Invitae), Labcorp
Classification: Uncertain significance for Familial cancer of breast. Last evaluated: 2025-12-09. Review status: criteria provided, single submitter. Criteria: Invitae Variant Classification Sherloc (09022015). Collection method: clinical testing. Allele origin: germline.
Comment: This sequence change falls in intron 9 of the BARD1 gene. It does not directly change the encoded amino acid sequence of the BARD1 protein. It affects a nucleotide within the consensus splice site. This variant is present in population databases (no rsID available, gnomAD 0.02%). This variant has not been reported in the literature in individuals affected with BARD1-related conditions. ClinVar contains an entry for this variant (Variation ID: 460731). Variants that disrupt the consensus splice site are a relatively common cause of aberrant splicing (PMID: 17576681, 9536098). Studies have shown that this variant is associated with inconclusive levels of altered splicing (internal data). In summary, the available evidence is currently insufficient to determine the role of this variant in disease. Therefore, it has been classified as a Variant of Uncertain Significance.

Color Diagnostics, LLC DBA Color Health
Classification: Uncertain significance for Hereditary cancer-predisposing syndrome. Last evaluated: 2025-03-11. Review status: criteria provided, single submitter. Criteria: ACMG Guidelines, 2015. Collection method: clinical testing. Allele origin: germline.
Comment: This variant causes a C to G nucleotide substitution at the -3 position of intron 9 of the BARD1 gene. Splice site prediction tools predict that this variant may have a significant impact on RNA splicing, although this prediction has not been confirmed in published RNA studies. To our knowledge, this variant has not been reported in individuals affected with hereditary cancer in the literature. This variant has been identified in 2/31358 chromosomes in the general population by the Genome Aggregation Database (gnomAD). The available evidence is insufficient to determine the role of this variant in disease conclusively. Therefore, this variant is classified as a Variant of Uncertain Significance.

Ambry Genetics
Classification: Uncertain significance for Hereditary cancer-predisposing syndrome. Last evaluated: 2025-03-06. Review status: criteria provided, single submitter. Criteria: Ambry Variant Classification Scheme 2023. Collection method: clinical testing. Allele origin: germline.
Comment: The c.1904-3C>G intronic variant results from a C to G substitution 3 nucleotides upstream from coding exon 10 in the BARD1 gene. This nucleotide position is well conserved in available vertebrate species. In silico splice site analysis predicts that this alteration may weaken the native splice acceptor site; however direct evidence is insufficient (Ambry internal data). Since supporting evidence is limited at this time, the clinical significance of this alteration remains unclear.

GeneDx
Classification: Uncertain significance. Last evaluated: 2024-11-12. Review status: criteria provided, single submitter. Criteria: GeneDx Variant Classification Process June 2021. Collection method: clinical testing. Allele origin: germline. Affected: yes.
Comment: Has not been previously published as pathogenic or benign to our knowledge; In-silico analysis is inconclusive as to whether the variant alters gene splicing. In the absence of RNA/functional studies, the actual effect of this sequence change is unknown.

Myriad Genetics, Inc.
Classification: Likely benign for Familial cancer of breast. Last evaluated: 2024-07-29. Review status: criteria provided, single submitter. Criteria: Myriad Autosomal Dominant, Autosomal Recessive and X-Linked Classification Criteria (2023). Collection method: clinical testing. Allele origin: unknown.
Comment: This variant is considered likely benign. This variant is intronic and is not expected to impact mRNA splicing. This variant is strongly associated with less severe personal and family histories of cancer, typical for individuals without pathogenic variants in this gene [PMID: 25085752].

Fulgent Genetics
Classification: Uncertain significance for Familial cancer of breast. Last evaluated: 2024-06-10. Review status: criteria provided, single submitter. Criteria: ACMG Guidelines, 2015. Collection method: clinical testing. Allele origin: germline.

Literature cited by the submitters: PubMed 17576681 (cited by Labcorp Genetics (formerly Invitae), Labcorp); PubMed 9536098 (cited by Labcorp Genetics (formerly Invitae), Labcorp); PubMed 25085752 (cited by Myriad Genetics, Inc.).